The following is an entry in ClinVar:

NM_016373.4(WWOX):c.761G>A (p.Arg254His)

Gene: WWOX (WW domain containing oxidoreductase; plus strand). Cytogenetic location: 16q23.1.
Variant type: single nucleotide variant.
Coding change: c.761G>A on transcript NM_016373.4 (MANE Select); coding-DNA position 761, G replaced by A.
Protein change: p.Arg254His; replaces arginine 254 with histidine.
Molecular consequence: missense variant.
Genome position (GRCh38, 1-based): chr16:78,425,025, G>A. VCF-style: chr16-78425025-G-A. GRCh37 (hg19) VCF-style: chr16-78458922-G-A.
Other names: c.422G>A, p.Arg141His (NM_001291997.2); short protein forms R141H, R254H.
Identifiers: ClinVar variation 2181143 (VCV002181143.1), dbSNP rs760077691, ClinGen allele CA396842955.

ClinVar aggregate classification (germline): Uncertain significance (1 of 4 stars; one submission).

Conditions:
Autosomal recessive spinocerebellar ataxia 12. Also called: SPINOCEREBELLAR ATAXIA WITH MENTAL RETARDATION AND EPILEPSY. Identifiers: Orphanet 284282, MedGen C3280452, MONDO:0013687, OMIM 614322.
Developmental and epileptic encephalopathy, 1 (DEE1). Also called: INFANTILE SPASM SYNDROME, X-LINKED 1; X-linked infantile spasms; West's syndrome; Tonic spasms with clustering, arrest of psychomotor development and hypsarrhythmia on EEG; X-Linked Infantile Spasm Syndrome; Epileptic encephalopathy, early infantile, 1. Identifiers: MedGen C3463992, MONDO:0010632, OMIM 308350. Disease mechanism: loss of function.

gnomAD v4.1: 14 of 1,613,808 alleles (0.00087%); highest among the groups gnomAD compares: East Asian, 0.0022%; no homozygotes.

Submission:

Labcorp Genetics (formerly Invitae), Labcorp
Classification: Uncertain significance for Developmental and epileptic encephalopathy, 1; Autosomal recessive spinocerebellar ataxia 12. Last evaluated: 2022-07-19. Review status: criteria provided, single submitter. Criteria: Invitae Variant Classification Sherloc (09022015). Collection method: clinical testing. Allele origin: germline.
Comment: This sequence change replaces arginine, which is basic and polar, with histidine, which is basic and polar, at codon 254 of the WWOX protein (p.Arg254His). This variant is present in population databases (no rsID available, gnomAD 0.003%). This variant has not been reported in the literature in individuals affected with WWOX-related conditions. Algorithms developed to predict the effect of missense changes on protein structure and function are either unavailable or do not agree on the potential impact of this missense change (SIFT: "Not Available"; PolyPhen-2: "Probably Damaging"; Align-GVGD: "Not Available"). In summary, the available evidence is currently insufficient to determine the role of this variant in disease. Therefore, it has been classified as a Variant of Uncertain Significance.